The following is an entry in ClinVar:

NM_000900.5(MGP):c.211G>T (p.Glu71Ter)

Gene: MGP (matrix Gla protein; minus strand). Cytogenetic location: 12p12.3.
Variant type: single nucleotide variant.
Coding change: c.211G>T on transcript NM_000900.5 (MANE Select); coding-DNA position 211, G replaced by T.
Protein change: p.Glu71Ter; replaces glutamic acid 71 with a stop codon.
Molecular consequence: nonsense.
Genome position (GRCh38, 1-based): chr12:14,882,240, C>A on the plus strand (G>T on the coding strand, the complement: MGP is on the minus strand). VCF-style: chr12-14882240-C-A. GRCh37 (hg19) VCF-style: chr12-15035174-C-A.
Other names: c.286G>T, p.Glu96Ter (NM_001190839.3); short protein forms E71*, E96*.
Identifiers: ClinVar variation 4809517 (VCV004809517.1).

ClinVar aggregate classification (germline): Uncertain significance (1 of 4 stars; one submission).

gnomAD v4.1: 4 of 1,614,088 alleles (0.00025%); highest among the groups gnomAD compares: Non-Finnish European, 0.00034%; no homozygotes.

Submission:

Labcorp Genetics (formerly Invitae), Labcorp
Classification: Uncertain significance. Last evaluated: 2025-10-05. Review status: criteria provided, single submitter. Criteria: Invitae Variant Classification Sherloc (09022015). Collection method: clinical testing. Allele origin: germline.
Comment: This sequence change creates a premature translational stop signal (p.Glu71*) in the MGP gene. While this is not anticipated to result in nonsense mediated decay, it is expected to disrupt the last 33 amino acid(s) of the MGP protein. This variant is present in population databases (no rsID available, gnomAD 0.0009%). This variant has not been reported in the literature in individuals affected with MGP-related conditions. Experimental studies and prediction algorithms are not available or were not evaluated, and the functional significance of this variant is currently unknown. Algorithms developed to predict the effect of sequence changes on RNA splicing suggest that this variant may create or strengthen a splice site. In summary, the available evidence is currently insufficient to determine the role of this variant in disease. Therefore, it has been classified as a Variant of Uncertain Significance.